The following is an entry in ClinVar:

NM_000535.7(PMS2):c.2559C>T (p.Ile853=)

Gene: PMS2 (PMS1 homolog 2, mismatch repair system component; minus strand). Cytogenetic location: 7p22.1.
Variant type: single nucleotide variant.
Coding change: c.2559C>T on transcript NM_000535.7 (MANE Select); coding-DNA position 2559, C replaced by T.
Protein change: p.Ile853=; no amino-acid change (isoleucine 853 retained).
Molecular consequence: synonymous variant. On other transcripts: non-coding transcript variant (1).
Genome position (GRCh38, 1-based): chr7:5,973,429, G>A on the plus strand (C>T on the coding strand, the complement: PMS2 is on the minus strand). VCF-style: chr7-5973429-G-A. GRCh37 (hg19) VCF-style: chr7-6013060-G-A.
Other names: c.2154C>T, p.Ile718= (NM_001322003.2, NM_001322004.2, NM_001322005.2); c.2403C>T, p.Ile801= (NM_001322006.2); c.2241C>T, p.Ile747= (NM_001322007.2, NM_001322008.2); c.2187C>T, p.Ile729= (NM_001322009.2); c.1998C>T, p.Ile666= (NM_001322010.2); c.1626C>T, p.Ile542= (NM_001322011.2, NM_001322012.2); c.1986C>T, p.Ile662= (NM_001322013.2); c.2592C>T, p.Ile864= (NM_001322014.2); and 1 more.
Identifiers: ClinVar variation 184059 (VCV000184059.34), dbSNP rs371673459, ClinGen allele CA011690.

ClinVar aggregate classification (germline): Benign/Likely benign. Review status: criteria provided, multiple submitters, no conflicts (2 of 4 stars). 11 submissions from 11 submitters: Benign (2); Likely benign (8). 1 of the submissions does not count toward it. Last evaluated 2026-01-28.

Conditions:
Hereditary nonpolyposis colorectal neoplasms. Identifiers: MedGen C0009405, MeSH D003123.
Breast and/or ovarian cancer. Identifiers: MedGen CN221562.
Hereditary cancer-predisposing syndrome. Also called: Tumor predisposition; Hereditary neoplastic syndrome; Neoplastic Syndromes, Hereditary; Hereditary Cancer Syndrome. Identifiers: Orphanet 140162, MedGen C0027672, MeSH D009386, MONDO:0015356.
Lynch syndrome 4 (LYNCH4). Also called: Colorectal cancer, hereditary nonpolyposis, type 4; Hereditary non-polyposis colorectal cancer, type 4. Identifiers: Orphanet 144, MedGen C1838333, MONDO:0013699, OMIM 614337. Disease mechanism: loss of function.
Carcinoma of colon (CRC). Also called: Colonic carcinoma; Colon carcinoma. Identifiers: MedGen C0699790, MONDO:0002032.

Submissions (11):

Labcorp Genetics (formerly Invitae), Labcorp
Classification: Likely benign for Hereditary nonpolyposis colorectal neoplasms. Last evaluated: 2026-01-28. Review status: criteria provided, single submitter. Criteria: Invitae Variant Classification Sherloc (09022015). Collection method: clinical testing. Allele origin: germline.

Institute for Biomarker Research, Medical Diagnostic Laboratories, L.L.C.
Classification: Likely benign for Hereditary cancer-predisposing syndrome. Last evaluated: 2025-04-18. Review status: criteria provided, single submitter. Criteria: ACMG Guidelines, 2015. Collection method: clinical testing. Allele origin: germline.
Comment: The synonymous variant NM_001322014.2(PMS2):c.2592C>T (p.Ile864=) has been reported to ClinVar as Benign/Likely benign with a status of (2 stars) criteria provided, multiple submitters, no conflicts (Variation ID 184059 as of 2025-04-03). The p.Ile864= variant is observed in 2/89,196 (0.0022%) alleles from individuals of gnomAD Non Finnish European background in gnomAD. The p.Ile864= variant is not predicted to disrupt an existing splice site. The p.Ile864= variant results in a substitution of a base that is not predicted conserved by GERP++ and PhyloP. For these reasons, this variant has been classified as Likely Benign.

Quest Diagnostics Nichols Institute San Juan Capistrano
Classification: Likely benign. Last evaluated: 2025-03-27. Review status: criteria provided, single submitter. Criteria: Quest Diagnostics criteria. Collection method: clinical testing. Allele origin: unknown.

Center for Genomic Medicine, Rigshospitalet, Copenhagen University Hospital
Classification: Likely benign. Last evaluated: 2025-03-04. Review status: criteria provided, single submitter. Criteria: ACMG Guidelines, 2015. Collection method: clinical testing. Allele origin: germline.

Myriad Genetics, Inc.
Classification: Benign for Lynch syndrome 4. Last evaluated: 2025-02-04. Review status: criteria provided, single submitter. Criteria: Myriad Autosomal Dominant, Autosomal Recessive and X-Linked Classification Criteria (2023). Collection method: clinical testing. Allele origin: unknown.
Comment: This variant is considered benign. This variant is a silent/synonymous amino acid change and it is not expected to impact splicing.

CHEO Genetics Diagnostic Laboratory, Children's Hospital of Eastern Ontario
Classification: Likely benign for Breast and/or ovarian cancer. Last evaluated: 2023-03-29. Review status: criteria provided, single submitter. Criteria: ACMG Guidelines, 2015. Collection method: clinical testing. Allele origin: germline.

Color Diagnostics, LLC DBA Color Health
Classification: Likely benign for Hereditary cancer-predisposing syndrome. Last evaluated: 2022-05-24. Review status: criteria provided, single submitter. Criteria: ACMG Guidelines, 2015. Collection method: clinical testing. Allele origin: germline.

Women's Health and Genetics/Laboratory Corporation of America, LabCorp
Classification: Likely benign. Last evaluated: 2019-08-29. Review status: criteria provided, single submitter. Criteria: LabCorp Variant Classification Summary - May 2015. Collection method: clinical testing. Allele origin: germline.

GeneDx
Classification: Benign. Last evaluated: 2015-03-03. Review status: criteria provided, single submitter. Criteria: GeneDx Variant Classification Process June 2021. Collection method: clinical testing. Allele origin: germline. Affected: yes.

Ambry Genetics
Classification: Likely benign for Hereditary cancer-predisposing syndrome. Last evaluated: 2014-12-04. Review status: criteria provided, single submitter. Criteria: Ambry Variant Classification Scheme 2023. Collection method: clinical testing. Allele origin: germline.

Department of Pathology and Laboratory Medicine, Sinai Health System
Classification: Likely benign for Carcinoma of colon. Review status: no assertion criteria provided. Collection method: clinical testing. Allele origin: unknown. Affected: yes. Study: The Canadian Open Genetics Repository (COGR). Not counted in ClinVar's aggregate classification.
Comment: The PMS2 p.Ile853= variant was not identified in the literature. The variant was identified in dbSNP (rs371673459) as â€šÃ„Ãºwith uncertain significance alleleâ€šÃ„Ã¹ and ClinVar (classified as likely benign by Invitae and Ambry Genetics and uncertain significance by Integrated Genetics). The variant was identified in control databases in 2 of 203,794 chromosomes at a frequency of 0.00001 (Genome Aggregation Database Feb 27, 2017). The variant was observed in the following populations: European in 2 of 89,196 chromosomes (freq: 0.00002), while the variant was not observed in the African, Latino, Ashkenazi Jewish, East Asian, Finnish, Other and South Asian populations. The p.Ile853= variant is not expected to have clinical significance because it does not result in a change of amino acid and is not located in a known consensus splice site. The variant occurs at a non-highly conserved nucleotide outside of the splicing consensus sequence and in silico or computational prediction software programs (SpliceSiteFinder, MaxEntScan, NNSPLICE, GeneSplicer) do not predict a difference in splicing. In summary, based on the above information the clinical significance of this variant cannot be determined with certainty at this time although we would lean towards a more benign role for this variant. This variant is classified as likely benign.